The following is an entry in ClinVar:

ClinVar aggregate classification (germline): Uncertain significance (1 of 4 stars; one submission).

Submission:

GeneDx
Classification: Uncertain significance. Last evaluated: 2025-01-10. Review status: criteria provided, single submitter. Criteria: GeneDx Variant Classification Process June 2021. Collection method: clinical testing. Allele origin: germline. Affected: yes.
Comment: Not observed at significant frequency in large population cohorts (gnomAD); In silico analysis supports that this missense variant has a deleterious effect on protein structure/function; Has not been previously published as pathogenic or benign to our knowledge

NM_031418.4(ANO3):c.2414G>T (p.Arg805Leu)

Gene: ANO3 (anoctamin 3; plus strand). Cytogenetic location: 11p14.2.
Variant type: single nucleotide variant.
Coding change: c.2414G>T on transcript NM_031418.4 (MANE Select); coding-DNA position 2414, G replaced by T.
Protein change: p.Arg805Leu; replaces arginine 805 with leucine.
Molecular consequence: missense variant.
Genome position (GRCh38, 1-based): chr11:26,643,320, G>T. VCF-style: chr11-26643320-G-T. GRCh37 (hg19) VCF-style: chr11-26664867-G-T.
Other names: c.2597G>T, p.Arg866Leu (NM_001313726.2); c.1976G>T, p.Arg659Leu (NM_001313727.2); short protein forms R659L, R805L, R866L.
Identifiers: ClinVar variation 4057150 (VCV004057150.1).